The following is an entry in ClinVar:

NM_001195263.2(PDZD7):c.649T>C (p.Ser217Pro)

Gene: PDZD7 (PDZ domain containing 7; minus strand). Cytogenetic location: 10q24.31.
Variant type: single nucleotide variant.
Coding change: c.649T>C on transcript NM_001195263.2 (MANE Select); coding-DNA position 649, T replaced by C.
Protein change: p.Ser217Pro; replaces serine 217 with proline.
Molecular consequence: missense variant.
Genome position (GRCh38, 1-based): chr10:101,022,279, A>G on the plus strand (T>C on the coding strand, the complement: PDZD7 is on the minus strand). VCF-style: chr10-101022279-A-G. GRCh37 (hg19) VCF-style: chr10-102782036-A-G.
Other names: c.649T>C, p.Ser217Pro (NM_001351044.2, NM_024895.5); short protein forms S217P.
Identifiers: ClinVar variation 1398987 (VCV001398987.8), dbSNP rs778376822, ClinGen allele CA5654308.

ClinVar aggregate classification (germline): Uncertain significance (1 of 4 stars; one submission).

Allele frequency attached by ClinVar (database versions not stated): gnomAD exomes below 0.00001 and 0.00002; TOPMed below 0.00001; ExAC 0.00002.
gnomAD v4.1: 5 of 1,614,182 alleles (0.00031%); highest among the groups gnomAD compares: Admixed American, 0.0067%; no homozygotes.

Submission:

Labcorp Genetics (formerly Invitae), Labcorp
Classification: Uncertain significance. Last evaluated: 2022-11-01. Review status: criteria provided, single submitter. Criteria: Invitae Variant Classification Sherloc (09022015). Collection method: clinical testing. Allele origin: germline.
Comment: In summary, the available evidence is currently insufficient to determine the role of this variant in disease. Therefore, it has been classified as a Variant of Uncertain Significance. Advanced modeling of protein sequence and biophysical properties (such as structural, functional, and spatial information, amino acid conservation, physicochemical variation, residue mobility, and thermodynamic stability) performed at Invitae indicates that this missense variant is not expected to disrupt PDZD7 protein function. ClinVar contains an entry for this variant (Variation ID: 1398987). This variant has not been reported in the literature in individuals affected with PDZD7-related conditions. This variant is present in population databases (rs778376822, gnomAD 0.01%). This sequence change replaces serine, which is neutral and polar, with proline, which is neutral and non-polar, at codon 217 of the PDZD7 protein (p.Ser217Pro).